The following is an entry in ClinVar:

NM_003079.5(SMARCE1):c.778del (p.Leu260fs)

Gene: SMARCE1 (SWI/SNF related BAF chromatin remodeling complex subunit E1; minus strand). Cytogenetic location: 17q21.2.
Variant type: Deletion.
Coding change: c.778del on transcript NM_003079.5 (MANE Select); coding-DNA position 778, one base deleted (C; older notation c.778delC).
Protein change: p.Leu260fs; shifts the reading frame from leucine 260.
Molecular consequence: frameshift variant.
Genome position (GRCh38, 1-based): chr17:40,631,630, G deleted on the plus strand (C on the coding strand, the reverse complement: SMARCE1 is on the minus strand); the first of 2 consecutive G bases (chr17:40,631,630-40,631,631); deleting either gives the same sequence. VCF-style (leftmost placement, unchanged base first): chr17-40631629-AG-A. GRCh37 (hg19) VCF-style: chr17-38787881-AG-A.
Other names: c.778delC (NM_003079.4); short protein forms L260fs.
Identifiers: ClinVar variation 3958595 (VCV003958595.1).

ClinVar aggregate classification (germline): Pathogenic (1 of 4 stars; one submission).

Conditions:
Hereditary cancer-predisposing syndrome. Also called: Tumor predisposition; Hereditary neoplastic syndrome; Hereditary Cancer Syndrome; Neoplastic Syndromes, Hereditary. Identifiers: Orphanet 140162, MedGen C0027672, MeSH D009386, MONDO:0015356.

Submission:

Ambry Genetics
Classification: Pathogenic for Hereditary cancer-predisposing syndrome. Last evaluated: 2025-04-16. Review status: criteria provided, single submitter. Criteria: Ambry Variant Classification Scheme 2023. Collection method: clinical testing. Allele origin: germline.
Comment: The c.778delC variant, located in coding exon 8 of the SMARCE1 gene, results from a deletion of one nucleotide at nucleotide position 778, causing a translational frameshift with a predicted alternate stop codon (p.L260Wfs*17). This variant is considered to be rare based on population cohorts in the Genome Aggregation Database (gnomAD). Loss-of-function variants in SMARCE1 are known to cause increased risk of meningiomas; however, such associations with neurodevelopmental disorders are exceedingly rare (Kosho T et al. Am J Med Genet C Semin Med Genet. 2014 Sep;166C(3):262-75; Smith JM et al. Nat Genet. 2013 Mar;45(3):295-8). This alteration is expected to result in loss of function by premature protein truncation or nonsense-mediated mRNA decay. Based on the supporting evidence, this alteration is pathogenic for an increased risk of meningiomas; however, the association of this alteration with Coffin-Siris syndrome is unlikely.